The following is an entry in ClinVar:

NM_001165963.4(SCN1A):c.2355G>A (p.Met785Ile)

Gene: SCN1A (sodium voltage-gated channel alpha subunit 1; minus strand). Cytogenetic location: 2q24.3.
Variant type: single nucleotide variant.
Coding change: c.2355G>A on transcript NM_001165963.4 (MANE Select); coding-DNA position 2355, G replaced by A.
Protein change: p.Met785Ile; replaces methionine 785 with isoleucine.
Molecular consequence: missense variant. On other transcripts: 5 prime UTR variant (1), non-coding transcript variant (1).
Genome position (GRCh38, 1-based): chr2:166,041,291, C>T on the plus strand (G>A on the coding strand, the complement: SCN1A is on the minus strand). VCF-style: chr2-166041291-C-T. GRCh37 (hg19) VCF-style: chr2-166897801-C-T.
Other names: c.2271G>A, p.Met757Ile (NM_001165964.3, NM_001353957.2, NM_001353958.2); c.2355G>A, p.Met785Ile (NM_001202435.3, NM_001353948.2); c.2322G>A, p.Met774Ile (NM_001353949.2, NM_001353950.2, NM_001353951.2 and 2 more transcripts); c.2319G>A, p.Met773Ile (NM_001353954.2, NM_001353955.2); c.2268G>A, p.Met756Ile (NM_001353960.2); c.-104G>A (NM_001353961.2); short protein forms M756I, M757I, M773I, M774I, M785I.
Identifiers: ClinVar variation 1066611 (VCV001066611.10), dbSNP rs2105827770, ClinGen allele CA349064069.

ClinVar aggregate classification (germline): Likely pathogenic (1 of 4 stars; one submission).

Conditions:
Early-infantile DEE. Also called: Ohtahara syndrome; Early infantile epileptic encephalopathy with suppression bursts; Early infantile epileptic encephalopathy. Identifiers: Orphanet 1934, MedGen C0393706, MONDO:0800491.

Submission:

Labcorp Genetics (formerly Invitae), Labcorp
Classification: Likely pathogenic for Early-infantile DEE. Last evaluated: 2020-05-21. Review status: criteria provided, single submitter. Criteria: Invitae Variant Classification Sherloc (09022015). Collection method: clinical testing. Allele origin: germline.
Comment: Algorithms developed to predict the effect of missense changes on protein structure and function are either unavailable or do not agree on the potential impact of this missense change (SIFT: "Deleterious"; PolyPhen-2: "Probably Damaging"; Align-GVGD: "Class C0"). This variant has been observed in individual(s) with Dravet syndrome (Invitae). This variant is not present in population databases (ExAC no frequency). This sequence change replaces methionine with isoleucine at codon 785 of the SCN1A protein (p.Met785Ile). The methionine residue is highly conserved and there is a small physicochemical difference between methionine and isoleucine. Algorithms developed to predict the effect of sequence changes on RNA splicing suggest that this variant may create or strengthen a splice site, but this prediction has not been confirmed by published transcriptional studies. In summary, the currently available evidence indicates that the variant is pathogenic, but additional data are needed to prove that conclusively. Therefore, this variant has been classified as Likely Pathogenic. This variant disrupts the p.Met785 amino acid residue in SCN1A. Other variant(s) that disrupt this residue have been determined to be pathogenic (Invitae). This suggests that this residue is clinically significant, and that variants that disrupt this residue are likely to be disease-causing.